The following is an entry in ClinVar:

ClinVar aggregate classification (germline): Uncertain significance. Review status: criteria provided, multiple submitters, no conflicts (2 of 4 stars). 2 submissions from 2 submitters: Uncertain significance (2). Last evaluated 2025-08-31.

Conditions:
Inborn genetic diseases. Identifiers: MedGen C0950123, MeSH D030342.
Hepatic veno-occlusive disease-immunodeficiency syndrome. Also called: Hepatic Veno-Occlusive Disease with Immunodeficiency. Identifiers: Orphanet 79124, MedGen C1856128, MONDO:0009338, OMIM 235550. Disease mechanism: loss of function.

Allele frequency attached by ClinVar (database versions not stated): gnomAD 0.00001.
gnomAD v4.1: 1 of 1,609,306 alleles (0.000062%); highest among the groups gnomAD compares: Non-Finnish European, 0.000085%; no homozygotes.

Submissions (2):

Ambry Genetics
Classification: Uncertain significance for Inborn genetic diseases. Last evaluated: 2025-08-31. Review status: criteria provided, single submitter. Criteria: Ambry Variant Classification Scheme 2023. Collection method: clinical testing. Allele origin: germline.

Labcorp Genetics (formerly Invitae), Labcorp
Classification: Uncertain significance for Hepatic veno-occlusive disease-immunodeficiency syndrome. Last evaluated: 2021-12-08. Review status: criteria provided, single submitter. Criteria: Invitae Variant Classification Sherloc (09022015). Collection method: clinical testing. Allele origin: germline.
Comment: Algorithms developed to predict the effect of missense changes on protein structure and function (SIFT, PolyPhen-2, Align-GVGD) all suggest that this variant is likely to be tolerated. In summary, the available evidence is currently insufficient to determine the role of this variant in disease. Therefore, it has been classified as a Variant of Uncertain Significance. This variant has not been reported in the literature in individuals affected with SP110-related conditions. This variant is present in population databases (no rsID available, gnomAD 0.007%). This sequence change replaces valine, which is neutral and non-polar, with leucine, which is neutral and non-polar, at codon 268 of the SP110 protein (p.Val268Leu).

NM_080424.4(SP110):c.802G>T (p.Val268Leu)

Genes: SP110 (SP110 nuclear body protein; minus strand), SP140 (SP140 nuclear body protein; plus strand). Cytogenetic location: 2q37.1.
Variant type: single nucleotide variant.
Coding change: c.802G>T on transcript NM_080424.4 (MANE Select); coding-DNA position 802, G replaced by T.
Protein change: p.Val268Leu; replaces valine 268 with leucine.
Molecular consequence: missense variant.
Genome position (GRCh38, 1-based): chr2:230,209,958, C>A on the plus strand (G>T on the coding strand, the complement: SP110 is on the minus strand). VCF-style: chr2-230209958-C-A. GRCh37 (hg19) VCF-style: chr2-231074673-C-A.
Other names: c.802G>T, p.Val268Leu (NM_001378443.1, NM_001378447.1, NM_004509.5 and 1 more transcripts); c.820G>T, p.Val274Leu (NM_001378444.1, NM_001378445.1, NM_001378446.1 and 2 more transcripts); c.802G>T (NM_004509.3); short protein forms V274L, V268L.
Identifiers: ClinVar variation 2038260 (VCV002038260.5), dbSNP rs1479195094, ClinGen allele CA350914188.